The following is an entry in ClinVar:

NM_032043.3(BRIP1):c.303C>A (p.Asn101Lys)

Gene: BRIP1 (BRCA1 interacting DNA helicase 1; minus strand). Cytogenetic location: 17q23.2.
Variant type: single nucleotide variant.
Coding change: c.303C>A on transcript NM_032043.3 (MANE Select); coding-DNA position 303, C replaced by A.
Protein change: p.Asn101Lys; replaces asparagine 101 with lysine.
Molecular consequence: missense variant.
Genome position (GRCh38, 1-based): chr17:61,857,134, G>T on the plus strand (C>A on the coding strand, the complement: BRIP1 is on the minus strand). VCF-style: chr17-61857134-G-T. GRCh37 (hg19) VCF-style: chr17-59934495-G-T.
Other names: short protein forms N101K.
Identifiers: ClinVar variation 2626373 (VCV002626373.5), dbSNP rs1425170841, ClinGen allele CA400485412.

ClinVar aggregate classification (germline): Conflicting classifications of pathogenicity. Review status: criteria provided, conflicting classifications (1 of 4 stars). 2 submissions from 2 submitters: Uncertain significance (1); Likely benign (1). Last evaluated 2024-12-02.

Conditions:
Fanconi anemia complementation group J. Also called: BRIP1-Related Fanconi Anemia. Identifiers: Orphanet 84, MedGen C1836860, MONDO:0012187, OMIM 609054.
Familial cancer of breast. Also called: Hereditary breast cancer; hereditary breast carcinoma; BREAST CANCER, FAMILIAL. Identifiers: Orphanet 227535, MedGen C0346153, MONDO:0016419, OMIM 114480. Disease mechanism: loss of function.
Hereditary cancer-predisposing syndrome. Also called: Tumor predisposition; Neoplastic Syndromes, Hereditary; Hereditary Cancer Syndrome; Hereditary neoplastic syndrome. Identifiers: Orphanet 140162, MedGen C0027672, MeSH D009386, MONDO:0015356.

gnomAD v4.1: 1 of 1,613,978 alleles (0.000062%); highest among the groups gnomAD compares: African/African-American, 0.0013%; no homozygotes.

Submissions (2):

Labcorp Genetics (formerly Invitae), Labcorp
Classification: Uncertain significance for Familial cancer of breast; Fanconi anemia complementation group J. Last evaluated: 2024-12-02. Review status: criteria provided, single submitter. Criteria: Invitae Variant Classification Sherloc (09022015). Collection method: clinical testing. Allele origin: germline.
Comment: This sequence change replaces asparagine, which is neutral and polar, with lysine, which is basic and polar, at codon 101 of the BRIP1 protein (p.Asn101Lys). This variant is present in population databases (no rsID available, gnomAD 0.007%). This variant has not been reported in the literature in individuals affected with BRIP1-related conditions. ClinVar contains an entry for this variant (Variation ID: 2626373). Invitae Evidence Modeling of protein sequence and biophysical properties (such as structural, functional, and spatial information, amino acid conservation, physicochemical variation, residue mobility, and thermodynamic stability) indicates that this missense variant is not expected to disrupt BRIP1 protein function with a negative predictive value of 95%. In summary, the available evidence is currently insufficient to determine the role of this variant in disease. Therefore, it has been classified as a Variant of Uncertain Significance.

Ambry Genetics
Classification: Likely benign for Hereditary cancer-predisposing syndrome. Last evaluated: 2024-02-28. Review status: criteria provided, single submitter. Criteria: Ambry Variant Classification Scheme 2023. Collection method: clinical testing. Allele origin: germline.